The following is an entry in ClinVar:

NM_001039591.3(USP9X):c.6138A>C (p.Gln2046His)

Gene: USP9X (ubiquitin specific peptidase 9 X-linked; plus strand). Cytogenetic location: Xp11.4.
Variant type: single nucleotide variant.
Coding change: c.6138A>C on transcript NM_001039591.3 (MANE Select); coding-DNA position 6138, A replaced by C.
Protein change: p.Gln2046His; replaces glutamine 2046 with histidine.
Molecular consequence: missense variant.
Genome position (GRCh38, 1-based): chrX:41,217,272, A>C. VCF-style: chrX-41217272-A-C. GRCh37 (hg19) VCF-style: chrX-41076525-A-C.
Other names: c.6138A>C, p.Gln2046His (NM_001039590.3); c.6153A>C, p.Gln2051His (NM_001410748.1, NM_001410749.1, NM_001437534.1); short protein forms Q2046H, Q2051H.
Identifiers: ClinVar variation 4686191 (VCV004686191.1).

ClinVar aggregate classification (germline): Uncertain significance (1 of 4 stars; one submission).

Submission:

GeneDx
Classification: Uncertain significance. Last evaluated: 2025-07-17. Review status: criteria provided, single submitter. Criteria: GeneDx Variant Classification Process June 2021. Collection method: clinical testing. Allele origin: germline. Affected: yes.
Comment: Not observed at significant frequency in large population cohorts (gnomAD); In silico analysis supports that this missense variant has a deleterious effect on protein structure/function; Has not been previously published as pathogenic or benign to our knowledge